The following is an entry in ClinVar:

ClinVar aggregate classification (germline): Uncertain significance. Review status: criteria provided, multiple submitters, no conflicts (2 of 4 stars). 2 submissions from 2 submitters: Uncertain significance (2). Last evaluated 2026-05-26.

Conditions:
PARN-related disorder. Also called: PARN-related disorders; PARN-related condition.
Pulmonary fibrosis and/or bone marrow failure, Telomere-related, 4. Also called: PULMONARY FIBROSIS AND/OR BONE MARROW FAILURE SYNDROME, TELOMERE-RELATED, 4. Identifiers: Orphanet 2032, MedGen C4225347, MONDO:0014612, OMIM 616371.
Dyskeratosis congenita, autosomal recessive 6 (DKCB6). Identifiers: MedGen C4225356, MONDO:0014600, OMIM 616353.

Allele frequency attached by ClinVar (database versions not stated): gnomAD exomes 0.00001 and 0.00002; ExAC 0.00002; gnomAD 0.00002; TOPMed 0.00002; ESP Exome Variant Server 0.00008.
gnomAD v4.1: 11 of 1,613,410 alleles (0.00068%); highest among the groups gnomAD compares: African/African-American, 0.0013%; no homozygotes.

Submissions (2):

PreventionGenetics, part of Exact Sciences
Classification: Uncertain significance for PARN-related condition. Last evaluated: 2026-05-26. Review status: criteria provided, single submitter. Criteria: ACMG Guidelines, 2015. Collection method: clinical testing. Allele origin: germline.
Comment: The PARN c.55A>G variant is predicted to result in the amino acid substitution p.Ile19Val. To our knowledge, this variant has not been reported in the literature. This variant is reported in 0.0035% of alleles in individuals of European (Non-Finnish) descent in gnomAD. At this time, the clinical significance of this variant is uncertain due to the absence of conclusive functional and genetic evidence.

Labcorp Genetics (formerly Invitae), Labcorp
Classification: Uncertain significance for Dyskeratosis congenita, autosomal recessive 6; Pulmonary fibrosis and/or bone marrow failure, Telomere-related, 4. Last evaluated: 2024-01-05. Review status: criteria provided, single submitter. Criteria: Invitae Variant Classification Sherloc (09022015). Collection method: clinical testing. Allele origin: germline.
Comment: This sequence change replaces isoleucine, which is neutral and non-polar, with valine, which is neutral and non-polar, at codon 19 of the PARN protein (p.Ile19Val). This variant is present in population databases (rs367979521, gnomAD 0.004%). This variant has not been reported in the literature in individuals affected with PARN-related conditions. ClinVar contains an entry for this variant (Variation ID: 1021666). Advanced modeling of protein sequence and biophysical properties (such as structural, functional, and spatial information, amino acid conservation, physicochemical variation, residue mobility, and thermodynamic stability) performed at Invitae indicates that this missense variant is not expected to disrupt PARN protein function with a negative predictive value of 80%. In summary, the available evidence is currently insufficient to determine the role of this variant in disease. Therefore, it has been classified as a Variant of Uncertain Significance.

NM_002582.4(PARN):c.55A>G (p.Ile19Val)

Gene: PARN (poly(A)-specific ribonuclease; minus strand). Cytogenetic location: 16p13.12.
Variant type: single nucleotide variant.
Coding change: c.55A>G on transcript NM_002582.4 (MANE Select); coding-DNA position 55, A replaced by G.
Protein change: p.Ile19Val; replaces isoleucine 19 with valine.
Molecular consequence: missense variant. On other transcripts: 5 prime UTR variant (1).
Genome position (GRCh38, 1-based): chr16:14,629,639, T>C on the plus strand (A>G on the coding strand, the complement: PARN is on the minus strand). VCF-style: chr16-14629639-T-C. GRCh37 (hg19) VCF-style: chr16-14723496-T-C.
Other names: c.55A>G (NM_002582.3); c.-129A>G (NM_001134477.3); c.55A>G, p.Ile19Val (NM_001242992.2); short protein forms I19V.
Identifiers: ClinVar variation 1021666 (VCV001021666.10), dbSNP rs367979521, ClinGen allele CA7912554.